The following is an entry in ClinVar:

ClinVar aggregate classification (germline): Conflicting classifications of pathogenicity. Review status: criteria provided, conflicting classifications (1 of 4 stars). 2 submissions from 2 submitters: Uncertain significance (1); Likely benign (1). Last evaluated 2026-01-26.

Conditions:
Hereditary cancer-predisposing syndrome. Also called: Neoplastic Syndromes, Hereditary; Tumor predisposition; Hereditary neoplastic syndrome; Hereditary Cancer Syndrome. Identifiers: Orphanet 140162, MedGen C0027672, MeSH D009386, MONDO:0015356.
Hereditary diffuse gastric adenocarcinoma (HDGC). Also called: DIFFUSE GASTRIC AND LOBULAR BREAST CANCER SYNDROME. Identifiers: Orphanet 26106, MedGen C1708349, MONDO:0007648, OMIM 137215.

Allele frequency attached by ClinVar (database versions not stated): gnomAD 0.00001.
gnomAD v4.1: 1 of 1,614,048 alleles (0.000062%); highest among the groups gnomAD compares: African/African-American, 0.0013%; no homozygotes.

Submissions (2):

Labcorp Genetics (formerly Invitae), Labcorp
Classification: Uncertain significance for Hereditary diffuse gastric adenocarcinoma. Last evaluated: 2026-01-26. Review status: criteria provided, single submitter. Criteria: Invitae Variant Classification Sherloc (09022015). Collection method: clinical testing. Allele origin: germline.
Comment: This sequence change replaces asparagine, which is neutral and polar, with threonine, which is neutral and polar, at codon 376 of the CDH1 protein (p.Asn376Thr). This variant is not present in population databases (gnomAD no frequency). This variant has not been reported in the literature in individuals affected with CDH1-related conditions. ClinVar contains an entry for this variant (Variation ID: 1799321). An algorithm developed to predict the effect of missense changes on protein structure and function (PolyPhen-2) suggests that this variant is likely to be tolerated. In summary, the available evidence is currently insufficient to determine the role of this variant in disease. Therefore, it has been classified as a Variant of Uncertain Significance.

Ambry Genetics
Classification: Likely benign for Hereditary cancer-predisposing syndrome. Last evaluated: 2024-09-26. Review status: criteria provided, single submitter. Criteria: Ambry Variant Classification Scheme 2023. Collection method: clinical testing. Allele origin: germline.

NM_004360.5(CDH1):c.1127A>C (p.Asn376Thr)

Gene: CDH1 (cadherin 1; plus strand). Cytogenetic location: 16q22.1.
Variant type: single nucleotide variant.
Coding change: c.1127A>C on transcript NM_004360.5 (MANE Select); coding-DNA position 1127, A replaced by C.
Protein change: p.Asn376Thr; replaces asparagine 376 with threonine.
Molecular consequence: missense variant. On other transcripts: 5 prime UTR variant (2).
Genome position (GRCh38, 1-based): chr16:68,812,253, A>C. VCF-style: chr16-68812253-A-C. GRCh37 (hg19) VCF-style: chr16-68846156-A-C.
Other names: c.1127A>C, p.Asn376Thr (NM_001317184.2); c.-489A>C (NM_001317185.2); c.-693A>C (NM_001317186.2); short protein forms N376T.
Identifiers: ClinVar variation 1799321 (VCV001799321.8), dbSNP rs1169866178, ClinGen allele CA396460276.